The following is an entry in ClinVar:

NM_001042492.3(NF1):c.3324dup (p.Leu1109fs)

Gene: NF1 (neurofibromin 1; plus strand). Cytogenetic location: 17q11.2.
Variant type: Duplication.
Coding change: c.3324dup on transcript NM_001042492.3 (MANE Select); coding-DNA position 3324, one base duplicated (A; older notation c.3324dupA).
Protein change: p.Leu1109fs; shifts the reading frame from leucine 1109.
Molecular consequence: frameshift variant.
Genome position (GRCh38, 1-based): chr17:31,232,709, A duplicated. VCF-style (leftmost placement, unchanged base first): chr17-31232708-C-CA. GRCh37 (hg19) VCF-style: chr17-29559726-C-CA.
Other names: c.3324dup, p.Leu1109Ilefs (NM_000267.4); c.3324dupA (NM_000267.3); short protein forms L1109fs.
Identifiers: ClinVar variation 1387198 (VCV001387198.8), dbSNP rs2151434460, ClinGen allele CA2573153343.

ClinVar aggregate classification (germline): Pathogenic. Review status: criteria provided, multiple submitters, no conflicts (2 of 4 stars). 2 submissions from 2 submitters: Pathogenic (2). Last evaluated 2020-11-26.

Conditions:
Cardiovascular phenotype. Identifiers: MedGen CN230736.
Hereditary cancer-predisposing syndrome. Also called: Hereditary neoplastic syndrome; Neoplastic Syndromes, Hereditary; Hereditary Cancer Syndrome; Tumor predisposition. Identifiers: Orphanet 140162, MedGen C0027672, MeSH D009386, MONDO:0015356.
Neurofibromatosis, type 1 (NF1). Also called: VON RECKLINGHAUSEN DISEASE; Neurofibromatosis, type I; NEUROFIBROMATOSIS, TYPE I, SOMATIC; Peripheral type neurofibromatosis. Identifiers: Orphanet 636, MedGen C0027831, MONDO:0018975, OMIM 162200. Disease mechanism: loss of function.

Submissions (2):

Labcorp Genetics (formerly Invitae), Labcorp
Classification: Pathogenic for Neurofibromatosis, type 1. Last evaluated: 2020-11-26. Review status: criteria provided, single submitter. Criteria: Invitae Variant Classification Sherloc (09022015). Collection method: clinical testing. Allele origin: germline.
Comment: For these reasons, this variant has been classified as Pathogenic. This variant has not been reported in the literature in individuals with NF1-related conditions. This variant is not present in population databases (ExAC no frequency). This sequence change creates a premature translational stop signal (p.Leu1109Ilefs*8) in the NF1 gene. It is expected to result in an absent or disrupted protein product. Loss-of-function variants in NF1 are known to be pathogenic (PMID: 10712197, 23913538).

Ambry Genetics
Classification: Pathogenic for Cardiovascular phenotype; Hereditary cancer-predisposing syndrome. Last evaluated: 2020-09-10. Review status: criteria provided, single submitter. Criteria: Ambry Variant Classification Scheme 2023. Collection method: clinical testing. Allele origin: germline.
Comment: The c.3324dupA pathogenic mutation, located in coding exon 26 of the NF1 gene, results from a duplication of A at nucleotide position 3324, causing a translational frameshift with a predicted alternate stop codon (p.L1109Ifs*8). This alteration is expected to result in loss of function by premature protein truncation or nonsense-mediated mRNA decay. As such, this alteration is interpreted as a disease-causing mutation.

Literature cited by the submitters: PubMed 10712197 (cited by Labcorp Genetics (formerly Invitae), Labcorp); PubMed 23913538 (cited by Labcorp Genetics (formerly Invitae), Labcorp).